The following is an entry in ClinVar:

ClinVar aggregate classification (germline): Uncertain significance (1 of 4 stars; one submission).

Submission:

Labcorp Genetics (formerly Invitae), Labcorp
Classification: Uncertain significance. Last evaluated: 2025-02-07. Review status: criteria provided, single submitter. Criteria: Invitae Variant Classification Sherloc (09022015). Collection method: clinical testing. Allele origin: germline.
Comment: This sequence change replaces alanine, which is neutral and non-polar, with serine, which is neutral and polar, at codon 1156 of the NRCAM protein (p.Ala1156Ser). This variant also falls at the last nucleotide of exon 27, which is part of the consensus splice site for this exon. This variant is not present in population databases (gnomAD no frequency). This variant has not been reported in the literature in individuals affected with NRCAM-related conditions. An algorithm developed to predict the effect of missense changes on protein structure and function (PolyPhen-2) suggests that this variant is likely to be disruptive. Variants that disrupt the consensus splice site are a relatively common cause of aberrant splicing (PMID: 17576681, 9536098). Algorithms developed to predict the effect of sequence changes on RNA splicing suggest that this variant may disrupt the consensus splice site. In summary, the available evidence is currently insufficient to determine the role of this variant in disease. Therefore, it has been classified as a Variant of Uncertain Significance.

Literature cited by the submitters: PubMed 17576681; PubMed 9536098.

NM_001037132.4(NRCAM):c.3466G>T (p.Ala1156Ser)

Gene: NRCAM (neuronal cell adhesion molecule; minus strand). Cytogenetic location: 7q31.1.
Variant type: single nucleotide variant.
Coding change: c.3466G>T on transcript NM_001037132.4 (MANE Select); coding-DNA position 3466, G replaced by T.
Protein change: p.Ala1156Ser; replaces alanine 1156 with serine.
Molecular consequence: missense variant. On other transcripts: non-coding transcript variant (2), intron variant (54).
Genome position (GRCh38, 1-based): chr7:108,166,921, C>A on the plus strand (G>T on the coding strand, the complement: NRCAM is on the minus strand). VCF-style: chr7-108166921-C-A. GRCh37 (hg19) VCF-style: chr7-107807366-C-A.
Other names: c.3418G>T, p.Ala1140Ser (NM_001371119.1); c.3409G>T, p.Ala1137Ser (NM_001371124.1, NM_001371126.1, NM_001371172.1); c.3466G>T, p.Ala1156Ser (NM_001371131.1); c.3304G>T, p.Ala1102Ser (NM_001371138.1); c.3121G>T, p.Ala1041Ser (NM_001371143.1, NM_001371164.1); c.3373G>T, p.Ala1125Ser (NM_001371146.1); c.3475G>T, p.Ala1159Ser (NM_001371156.1); c.3283G>T, p.Ala1095Ser (NM_001371158.1); and 25 more; short protein forms A1041S, A1125S, A1159S, A1102S, A1137S, A1140S, A1144S, A1095S.
Identifiers: ClinVar variation 4711889 (VCV004711889.1).